The following is an entry in ClinVar:

NM_002609.4(PDGFRB):c.1808-6C>T

Gene: PDGFRB (platelet derived growth factor receptor beta; minus strand). Cytogenetic location: 5q32.
Variant type: single nucleotide variant.
Coding change: c.1808-6C>T on transcript NM_002609.4 (MANE Select); 6 bases into the intron before coding-DNA position 1808, C replaced by T.
Molecular consequence: intron variant.
Genome position (GRCh38, 1-based): chr5:150,124,837, G>A on the plus strand (C>T on the coding strand, the complement: PDGFRB is on the minus strand). VCF-style: chr5-150124837-G-A. GRCh37 (hg19) VCF-style: chr5-149504400-G-A.
Other names: p.?; c.1616-6C>T (NM_001355016.2); c.1325-6C>T (NM_001355017.2).
Identifiers: ClinVar variation 4684870 (VCV004684870.1).
Genomic context (GRCh38, chr5:150,124,837, plus strand): 5'-CCATGAGCCGTGGCCTCCACCACCTGCCCAAAGGCCCCAGAGCCGAGGGTGCGTCCTGGT[G>A]CAGAGATGATCCATTAGCTCCTGGCCTACCAGGAAGCTGCACCGCTCCCCCAGCTGCCCC-3'

ClinVar aggregate classification (germline): Likely benign (1 of 4 stars; one submission).

gnomAD v4.1: 17 of 1,523,758 alleles (0.0011%); highest among the groups gnomAD compares: Non-Finnish European, 0.0012%; no homozygotes.

Submission:

Mayo Clinic Laboratories, Mayo Clinic
Classification: Likely benign. Last evaluated: 2025-10-24. Review status: criteria provided, single submitter. Criteria: ACMG Guidelines, 2015. Collection method: clinical testing. Allele origin: germline. Observed: 1 variant allele.
Comment: BP4, BP7